The following is an entry in ClinVar:

ClinVar aggregate classification (germline): Uncertain significance (1 of 4 stars; one submission).

Conditions:
Aortic aneurysm, familial thoracic 6 (AAT6). Also called: FAMILIAL THORACIC AORTIC ANEURYSM WITH LIVEDO RETICULARIS AND IRIS FLOCCULI. Identifiers: MedGen C2673186, MONDO:0012730, OMIM 611788.

Submission:

Labcorp Genetics (formerly Invitae), Labcorp
Classification: Uncertain significance for Aortic aneurysm, familial thoracic 6. Last evaluated: 2020-12-08. Review status: criteria provided, single submitter. Criteria: Invitae Variant Classification Sherloc (09022015). Collection method: clinical testing. Allele origin: germline.
Comment: In summary, the available evidence is currently insufficient to determine the role of this variant in disease. Therefore, it has been classified as a Variant of Uncertain Significance. Experimental studies and prediction algorithms are not available or were not evaluated, and the functional significance of this variant is currently unknown. This variant has not been reported in the literature in individuals with ACTA2-related conditions. This variant is not present in population databases (ExAC no frequency). This sequence change creates a premature translational stop signal (p.Gln362*) in the ACTA2 gene. While this is not anticipated to result in nonsense mediated decay, it is expected to disrupt the last 16 amino acid(s) of the ACTA2 protein.

NM_001613.4(ACTA2):c.1084C>T (p.Gln362Ter)

Genes: ACTA2-AS1 (ACTA2 antisense RNA 1; plus strand), ACTA2 (actin alpha 2, smooth muscle; minus strand). Cytogenetic location: 10q23.31.
Variant type: single nucleotide variant.
Coding change: c.1084C>T on transcript NM_001613.4 (MANE Select); coding-DNA position 1084, C replaced by T.
Protein change: p.Gln362Ter; replaces glutamine 362 with a stop codon.
Molecular consequence: nonsense. On other transcripts: non-coding transcript variant (1).
Genome position (GRCh38, 1-based): chr10:88,935,273, G>A on the plus strand (C>T on the coding strand, the complement: ACTA2 is on the minus strand). VCF-style: chr10-88935273-G-A. GRCh37 (hg19) VCF-style: chr10-90695030-G-A.
Other names: c.1084C>T, p.Gln362Ter (NM_001406463.1, NM_001406464.1, NM_001141945.3 and 2 more transcripts); c.973C>T, p.Gln325Ter (NM_001406466.1); c.955C>T, p.Gln319Ter (NM_001406467.1, NM_001406468.1, NM_001406469.1); c.892C>T, p.Gln298Ter (NM_001406471.1); short protein forms Q362*, Q325*, Q319*, Q298*.
Identifiers: ClinVar variation 1491967 (VCV001491967.7), dbSNP rs2133237845, ClinGen allele CA377510426.